The following is an entry in ClinVar:

NM_000143.4(FH):c.1465C>T (p.Leu489Phe)

Gene: FH (fumarate hydratase; minus strand). Cytogenetic location: 1q43.
Variant type: single nucleotide variant.
Coding change: c.1465C>T on transcript NM_000143.4 (MANE Select); coding-DNA position 1465, C replaced by T.
Protein change: p.Leu489Phe; replaces leucine 489 with phenylalanine.
Molecular consequence: missense variant.
Genome position (GRCh38, 1-based): chr1:241,497,896, G>A on the plus strand (C>T on the coding strand, the complement: FH is on the minus strand). VCF-style: chr1-241497896-G-A. GRCh37 (hg19) VCF-style: chr1-241661196-G-A.
Other names: short protein forms L489F.
Identifiers: ClinVar variation 4838362 (VCV004838362.1).

ClinVar aggregate classification (germline): Uncertain significance (1 of 4 stars; one submission).

Conditions:
Hereditary cancer-predisposing syndrome. Also called: Neoplastic Syndromes, Hereditary; Tumor predisposition; Hereditary Cancer Syndrome; Hereditary neoplastic syndrome. Identifiers: Orphanet 140162, MedGen C0027672, MeSH D009386, MONDO:0015356.

Submission:

Ambry Genetics
Classification: Uncertain significance for Hereditary cancer-predisposing syndrome. Last evaluated: 2026-01-06. Review status: criteria provided, single submitter. Criteria: Ambry Variant Classification Scheme 2023. Collection method: clinical testing. Allele origin: germline.
Comment: The p.L489F variant (also known as c.1465C>T), located in coding exon 10 of the FH gene, results from a C to T substitution at nucleotide position 1465. The leucine at codon 489 is replaced by phenylalanine, an amino acid with highly similar properties. This amino acid position is conserved. In addition, this alteration is predicted to be deleterious by in silico analysis. Based on the available evidence, the clinical significance of this variant remains unclear.